The following is an entry in ClinVar:

NM_000195.5(HPS1):c.1189del (p.Gln397fs)

Gene: HPS1 (HPS1 biogenesis of lysosomal organelles complex 3 subunit 1; minus strand). Cytogenetic location: 10q24.2.
Variant type: Deletion.
Coding change: c.1189del on transcript NM_000195.5 (MANE Select); coding-DNA position 1189, one base deleted (C; older notation c.1189delC).
Protein change: p.Gln397fs; shifts the reading frame from glutamine 397.
Molecular consequence: frameshift variant.
Genome position (GRCh38, 1-based): chr10:98,425,687, G deleted on the plus strand (C on the coding strand, the reverse complement: HPS1 is on the minus strand); the first of 3 consecutive G bases (chr10:98,425,687-98,425,689); deleting any one gives the same sequence. VCF-style (leftmost placement, unchanged base first): chr10-98425686-TG-T. GRCh37 (hg19) VCF-style: chr10-100185443-TG-T.
Other names: NM_000195.5(HPS1):c.1189del; p.Gln397fs; c.1189del (NM_000195.4, NM_000195.3); c.217del, p.Gln73fs (NM_001311345.2, NM_001322487.2, NM_001322489.2); c.1189del, p.Gln397fs (NM_001322476.2, NM_001322477.2); c.1090del, p.Gln364fs (NM_001322478.2, NM_001322479.2); c.928del, p.Gln310fs (NM_001322480.2, NM_001322481.2); c.829del, p.Gln277fs (NM_001322482.2); and 3 more; short protein forms Q241fs, Q310fs, Q364fs, Q274fs, Q277fs, Q397fs, Q73fs.
Identifiers: ClinVar variation 21091 (VCV000021091.50), dbSNP rs281865084, ClinGen allele CA341619.

ClinVar aggregate classification (germline): Pathogenic/Likely pathogenic. Review status: criteria provided, multiple submitters, no conflicts (2 of 4 stars). 23 submissions from 23 submitters: Pathogenic (18); Likely pathogenic (1). 4 of the submissions do not count toward it. Last evaluated 2026-05-22.

Conditions:
HPS1-related disorder. Also called: HPS1-related condition.
HPS1-related disorders.
Hermansky-Pudlak syndrome (HPS). Also called: ALBINISM WITH HEMORRHAGIC DIATHESIS AND PIGMENTED RETICULOENDOTHELIAL CELLS. Identifiers: Orphanet 79430, MedGen C0079504, MONDO:0019312.
Hermansky-Pudlak syndrome 1 (HPS1). Also called: DELTA STORAGE POOL DISEASE. Identifiers: Orphanet 231500, Orphanet 79430, MedGen C2931875, MONDO:0008748, OMIM 203300.

Submissions 1 to 13 of 23:

PreventionGenetics, part of Exact Sciences
Classification: Pathogenic for HPS1-related condition. Last evaluated: 2026-05-22. Review status: criteria provided, single submitter. Criteria: ACMG Guidelines, 2015. Collection method: clinical testing. Allele origin: germline.
Comment: The HPS1 c.1189delC variant is predicted to result in a frameshift and premature protein termination (p.Gln397Serfs*2). This variant has been reported in the compound heterozygous state in individuals with Hermansky-Pudlak syndrome (Marti et al. 2017. PubMed ID: 28976636; Table S3, Downes et al. 2019. PubMed ID: 31064749). This variant is present in 0.015% of alleles in individuals of European (Non-Finnish) descent in gnomAD. Frameshift variants in HPS1 are an established mechanism of disease. This variant is interpreted as pathogenic.

GeneDx
Classification: Pathogenic. Last evaluated: 2026-03-19. Review status: criteria provided, single submitter. Criteria: GeneDx Variant Classification Process June 2021. Collection method: clinical testing. Allele origin: germline.
Comment: Frameshift variant predicted to result in protein truncation or nonsense mediated decay in a gene for which loss of function is a known mechanism of disease; This variant is associated with the following publications: (PMID: 28081892, 34897530, 31064749, 9497254, 31619213, 28976636, 34426522, 31589614, 35988656, 33423334, 37647632, 9705234, 16185271, 41428507, 39457042, 12442288, 17365864, 20514622, 26806224, 15952982)

Dasa
Classification: Pathogenic. Last evaluated: 2026-01-19. Review status: criteria provided, single submitter. Criteria: DASA Assertion Criteria. Collection method: clinical testing. Allele origin: germline.
Comment: NM_000195.5(HPS1):c.1189del (p.Gln397Serfs*2) introduces a premature termination codon predicted to result in loss of normal protein function. Loss-of-function is an established mechanism of disease for this gene. This variant has been recurrently observed in affected individuals with related phenotype in a genotype context consistent with recessive disease (PMID: 28081892; PMID: 30409369; PMID: 31619213; PMID: 37389831). The variant is present at low frequency in population datasets. Based on the available data, this variant is classified as pathogenic.

Labcorp Genetics (formerly Invitae), Labcorp
Classification: Pathogenic. Last evaluated: 2026-01-06. Review status: criteria provided, single submitter. Criteria: Invitae Variant Classification Sherloc (09022015). Collection method: clinical testing. Allele origin: germline.
Comment: This sequence change creates a premature translational stop signal (p.Gln397Serfs*2) in the HPS1 gene. It is expected to result in an absent or disrupted protein product. Loss-of-function variants in HPS1 are known to be pathogenic (PMID: 12442288, 16185271). This variant is present in population databases (rs281865084, gnomAD 0.02%). This premature translational stop signal has been observed in individuals with HPS1-related conditions (PMID: 9497254, 20514622, 28081892). This variant is also known as E397delC. ClinVar contains an entry for this variant (Variation ID: 21091). For these reasons, this variant has been classified as Pathogenic.

Natera, Inc.
Classification: Pathogenic for Hermansky-Pudlak syndrome. Last evaluated: 2025-11-03. Review status: criteria provided, single submitter. Criteria: Natera Variant Classification Schema (03/2026). Collection method: clinical testing. Allele origin: germline.
Comment: The c.1189delC variant in HPS1 is a frameshift variant predicted to shift the reading frame beginning at codon 397 and leads to a stop codon 2 codons downstream. This variant is expected to result in nonsense mediated decay, truncation, or a dysfunctional protein product. This variant is rare in the general population with a frequency below the threshold expected for the associated phenotype(s). This variant has been observed in one or more individuals affected with the associated recessive disease, as either homozygous or compound heterozygous with a second variant (PMID: 29345414, 26806224). Given the available evidence, this variant is classified as Pathogenic.

Variantyx, Inc.
Classification: Pathogenic for Hermansky-Pudlak syndrome 1. Last evaluated: 2025-04-28. Review status: criteria provided, single submitter. Criteria: Variantyx Assertion Criteria 2022. Collection method: clinical testing. Allele origin: germline. Inheritance: Autosomal recessive inheritance. Affected: no.
Comment: This is a frameshift variant in the HPS1 gene (OMIM: 604982). Pathogenic variants in this gene have been associated with autosomal recessive Hermansky-Pudlak syndrome 1. This variant introduces a premature termination codon in exon 13 out of 20and is expected to result in loss of function, which is a known disease mechanism for HPS1 in this disorder (PMID: 12442288, 16185271) (PVS1). This variant has been identified in the homozygous or compound heterozygous state in at least 3 individual(s) reported in the published literature (PMID: 9497254, 20514622, 28081892) (PM3_Strong). It has a 0.0122% maximum allele frequency in non-founder control populations (PM2). Based on the current evidence, this variant is classified as pathogenic for autosomal recessive Hermansky-Pudlak syndrome 1.N

Laboratory of Genetic Epidemiology, Research Centre for Medical Genetics
Classification: Pathogenic for Hermansky-Pudlak syndrome 1. Last evaluated: 2025-01-01. Review status: criteria provided, single submitter. Criteria: ACMG Guidelines, 2015. Collection method: clinical testing. Allele origin: paternal. Inheritance: Autosomal recessive inheritance. Affected: yes. Observed: 1 compound heterozygote.
Comment: This variant has been previously reported in the literature (PMIDs: 28081892, 31619213, 37647632) and is listed in gnomAD v3.1.2 with allele frequency 0.0001 in Europe (18/152188), none in homozygous state. Taken together, the variant meets the following ACMG/AMP criteria and can be classified as pathogenic with PM2, PVS1, PM3, PP5 criteria.

Blueprint Genetics
Classification: Pathogenic for HPS1-related disorders. Last evaluated: 2024-09-23. Review status: criteria provided, single submitter. Criteria: ACMG Guidelines, 2015. Collection method: clinical testing. Allele origin: germline. Affected: yes. Observed: 5 variant alleles.

Fulgent Genetics
Classification: Pathogenic for Hermansky-Pudlak syndrome 1. Last evaluated: 2024-04-17. Review status: criteria provided, single submitter. Criteria: ACMG Guidelines, 2015. Collection method: clinical testing. Allele origin: germline.

Baylor Genetics
Classification: Pathogenic for Hermansky-Pudlak syndrome 1. Last evaluated: 2024-03-26. Review status: criteria provided, single submitter. Criteria: ACMG Guidelines, 2015. Collection method: clinical testing. Allele origin: unknown.

Institute of Medical Genetics and Applied Genomics, University Hospital Tübingen
Classification: Pathogenic for Hermansky-Pudlak syndrome 1. Last evaluated: 2024-02-20. Review status: criteria provided, single submitter. Criteria: ACMG Guidelines, 2015. Collection method: clinical testing. Allele origin: germline. Inheritance: Autosomal recessive inheritance. Affected: yes.

Laboratory of Medical Genetics, National & Kapodistrian University of Athens
Classification: Pathogenic for Hermansky-Pudlak syndrome 1. Last evaluated: 2024-02-15. Review status: criteria provided, single submitter. Criteria: ACMG Guidelines, 2015. Collection method: clinical testing. Allele origin: germline. Affected: yes.
Comment: PVS1, PM2, PP5 - The variant has been reported in ClinVar as Pathogenic by other laboratories (Variation ID 21091). This variant has been previously reported as causative (PMID:31619213).

Pittsburgh Clinical Genomics Laboratory, University of Pittsburgh Medical Center
Classification: Pathogenic for Hermansky-Pudlak syndrome 1. Last evaluated: 2023-08-16. Review status: criteria provided, single submitter. Criteria: ACMG Guidelines, 2015. Collection method: clinical testing. Allele origin: germline. Inheritance: Autosomal recessive inheritance. Affected: yes.
Comment: This sequence variant is a single nucleotide deletion (delC) at coding position 1189 of the HPS1 gene that results in an early termition sigl 2 codons downstream of the frameshift at Gln397. As it occurs in exon 13 of 20, this variant is predicted to generate a non-functiol allele through either the expression of a truncated protein or a loss of HPS1 expression due to nonsense-mediated decay. This is a previously reported variant (ClinVar 21091) that has been observed in homozygous or compound heterozygous state in many individuals and families affected by Hermansky-Pudlak syndrome (PMID: 9497254, 9705234, 12442288, 15952982, 20514622, 26806224). This variant is present in 19 of 281342 alleles (0.0068%) in the gnomAD population dataset. Haploinsufficiency in HPS1 is a known mechanism of disease. Based upon the evidence, we consider this variant to be pathogenic. ACMG Criteria: PM3, PS4, PVS1